The following is an entry in ClinVar:

NM_001127178.3(PIGG):c.2791G>A (p.Val931Ile)

Gene: PIGG (phosphatidylinositol glycan anchor biosynthesis class G (EMM blood group); plus strand). Cytogenetic location: 4p16.3.
Variant type: single nucleotide variant.
Coding change: c.2791G>A on transcript NM_001127178.3 (MANE Select); coding-DNA position 2791, G replaced by A.
Protein change: p.Val931Ile; replaces valine 931 with isoleucine.
Molecular consequence: missense variant. On other transcripts: non-coding transcript variant (10).
Genome position (GRCh38, 1-based): chr4:539,208, G>A. VCF-style: chr4-539208-G-A. GRCh37 (hg19) VCF-style: chr4-532997-G-A.
Other names: c.2524G>A, p.Val842Ile (NM_001289051.2, NM_001345986.2); c.2392G>A, p.Val798Ile (NM_001289052.2); c.2500G>A, p.Val834Ile (NM_001345987.2); c.1762G>A, p.Val588Ile (NM_001345988.2); c.1258G>A, p.Val420Ile (NM_001345990.2, NM_001345991.2); c.1693G>A, p.Val565Ile (NM_001345994.2); c.2767G>A, p.Val923Ile (NM_017733.5); short protein forms V588I, V842I, V565I, V798I, V834I, V420I, V923I, V931I.
Identifiers: ClinVar variation 2103927 (VCV002103927.4), dbSNP rs2475198378, ClinGen allele CA355913254.

ClinVar aggregate classification (germline): Uncertain significance (1 of 4 stars; one submission).

Conditions:
Intellectual disability, autosomal recessive 53 (NEDHSCA). Also called: NEURODEVELOPMENTAL DISORDER WITH OR WITHOUT HYPOTONIA, SEIZURES, AND CEREBELLAR ATROPHY; GLYCOSYLPHOSPHATIDYLINOSITOL BIOSYNTHESIS DEFECT 13; Mental retardation, autosomal recessive 53. Identifiers: Orphanet 488635, MedGen C4310794, MONDO:0014832, OMIM 616917.

Allele frequency attached by ClinVar (database versions not stated): gnomAD exomes below 0.00001.
gnomAD v4.1: 1 of 1,613,700 alleles (0.000062%); highest among the groups gnomAD compares: Non-Finnish European, 0.000085%; no homozygotes.

Submission:

Labcorp Genetics (formerly Invitae), Labcorp
Classification: Uncertain significance for Intellectual disability, autosomal recessive 53. Last evaluated: 2022-02-27. Review status: criteria provided, single submitter. Criteria: Invitae Variant Classification Sherloc (09022015). Collection method: clinical testing. Allele origin: germline.
Comment: In summary, the available evidence is currently insufficient to determine the role of this variant in disease. Therefore, it has been classified as a Variant of Uncertain Significance. This sequence change replaces valine, which is neutral and non-polar, with isoleucine, which is neutral and non-polar, at codon 931 of the PIGG protein (p.Val931Ile). This variant is not present in population databases (gnomAD no frequency). This variant has not been reported in the literature in individuals affected with PIGG-related conditions. Algorithms developed to predict the effect of missense changes on protein structure and function are either unavailable or do not agree on the potential impact of this missense change (SIFT: "Tolerated"; PolyPhen-2: "Possibly Damaging"; Align-GVGD: "Class C0").